The following is an entry in ClinVar:

NM_001360016.2(G6PD):c.851T>C (p.Val284Ala)

Gene: G6PD (glucose-6-phosphate dehydrogenase; minus strand). Cytogenetic location: Xq28.
Variant type: single nucleotide variant.
Coding change: c.851T>C on transcript NM_001360016.2 (MANE Select); coding-DNA position 851, T replaced by C.
Protein change: p.Val284Ala; replaces valine 284 with alanine.
Molecular consequence: missense variant.
Genome position (GRCh38, 1-based): chrX:154,533,589, A>G on the plus strand (T>C on the coding strand, the complement: G6PD is on the minus strand). VCF-style: chrX-154533589-A-G. GRCh37 (hg19) VCF-style: chrX-153761804-A-G.
Other names: G6PD Piotrkow; c.941T>C, p.Val314Ala (NM_000402.4); c.851T>C, p.Val284Ala (NM_001042351.3); short protein forms V284A, V314A.
Identifiers: ClinVar variation 1722592 (VCV001722592.2), dbSNP rs2523265393, ClinGen allele CA415235091.

ClinVar aggregate classification (germline): Likely pathogenic (1 of 4 stars; one submission).

Conditions:
Anemia, nonspherocytic hemolytic, due to G6PD deficiency (CNSHA1). Also called: Hemolytic anemia due to G6PD deficiency; Class I glucose-6-phosphate dehydrogenase deficiency; Favism, susceptibility to; ANEMIA, CONGENITAL, NONSPHEROCYTIC HEMOLYTIC, 1. Identifiers: Orphanet 466026, MedGen C2720289, MONDO:0010480, OMIM 300908.

Submission:

Dunham Lab, University of Washington
Classification: Likely pathogenic for Anemia, nonspherocytic hemolytic, due to G6PD deficiency. Last evaluated: 2022-08-12. Review status: criteria provided, single submitter. Criteria: Bayesian ACMG Guidelines, 2018. Collection method: curation. Allele origin: inherited. Affected: yes.
Comment: Undetectable activity in red blood cells of hemizygote and decreased in heterozygote (62%) (PS3). Not found in gnomAD (PM2). Post_P 0.975 (odds of pathogenicity 350.3, Prior_P 0.1).

Literature cited by the submitters: PubMed 18066402.